The following is an entry in ClinVar:

ClinVar aggregate classification (germline): Pathogenic. Review status: criteria provided, multiple submitters, no conflicts (2 of 4 stars). 3 submissions from 3 submitters: Pathogenic (2). 1 of the submissions does not count toward it. Last evaluated 2024-05-28.

Conditions:
Autosomal recessive juvenile Parkinson disease 2. Also called: Parkinson disease autosomal recessive, early onset; Juvenile parkinsonism; Parkinsonism, early onset, with diurnal fluctuation; PARKINSON DISEASE, JUVENILE, AUTOSOMAL RECESSIVE; Parkinson disease, juvenile, type 2; PRKN-Related Early-Onset Parkinson Disease. Identifiers: Orphanet 2828, MedGen C1868675, MONDO:0010820, OMIM 600116.

Allele frequency attached by ClinVar (database versions not stated): gnomAD exomes 0.00001 and below 0.00001; gnomAD 0.00001; ExAC 0.00002; 1000 Genomes Project 30x 0.00016; 1000 Genomes Project 0.00020.
gnomAD v4.1: 7 of 1,610,136 alleles (0.00043%); highest among the groups gnomAD compares: Admixed American, 0.0067%; no homozygotes.

Submissions (3):

Mayo Clinic Laboratories, Mayo Clinic
Classification: Pathogenic. Last evaluated: 2024-05-28. Review status: criteria provided, single submitter. Criteria: ACMG Guidelines, 2015. Collection method: clinical testing. Allele origin: germline. Observed: 1 variant allele.
Comment: PP1_strong, PP3, PM1, PM2, PM3, PM5, PS3_supporting, PS4

Labcorp Genetics (formerly Invitae), Labcorp
Classification: Pathogenic. Last evaluated: 2021-08-27. Review status: criteria provided, single submitter. Criteria: Invitae Variant Classification Sherloc (09022015). Collection method: clinical testing. Allele origin: germline.
Comment: This sequence change replaces cysteine with tyrosine at codon 212 of the PRKN protein (p.Cys212Tyr). The cysteine residue is highly conserved and there is a large physicochemical difference between cysteine and tyrosine. This variant is present in population databases (rs137853058, ExAC 0.009%). This missense change has been observed in individual(s) with autosomal recessive juvenile-onset Parkinson's disease (PMID: 11163284, 12056932). It has also been observed to segregate with disease in related individuals. ClinVar contains an entry for this variant (Variation ID: 7046). Algorithms developed to predict the effect of missense changes on protein structure and function are either unavailable or do not agree on the potential impact of this missense change (SIFT: "Deleterious"; PolyPhen-2: "Probably Damaging"; Align-GVGD: "Class C0"). Experimental studies have shown that this missense change affects PRKN function (PMID: 15816865). For these reasons, this variant has been classified as Pathogenic.

OMIM
Classification: Pathogenic for PARKINSON DISEASE 2, AUTOSOMAL RECESSIVE JUVENILE. Last evaluated: 2002-06-01. Review status: no assertion criteria provided. Collection method: literature only. Allele origin: germline. Not counted in ClinVar's aggregate classification.

Literature cited by the submitters: PubMed 11163284 (cited by 3 submitters); PubMed 12056932 (cited by 3 submitters); PubMed 12446971 (cited by Mayo Clinic Laboratories, Mayo Clinic); PubMed 12465088 (cited by Mayo Clinic Laboratories, Mayo Clinic); PubMed 15022188 (cited by Mayo Clinic Laboratories, Mayo Clinic); PubMed 15816865 (cited by Mayo Clinic Laboratories, Mayo Clinic and Labcorp Genetics (formerly Invitae), Labcorp); PubMed 19339245 (cited by Mayo Clinic Laboratories, Mayo Clinic); PubMed 26518746 (cited by Mayo Clinic Laboratories, Mayo Clinic); PubMed 30994895 (cited by Mayo Clinic Laboratories, Mayo Clinic); PubMed 33150996 (cited by Mayo Clinic Laboratories, Mayo Clinic); PubMed 38767677 (cited by Mayo Clinic Laboratories, Mayo Clinic).

NM_004562.3(PRKN):c.635G>A (p.Cys212Tyr)

Gene: PRKN (parkin RBR E3 ubiquitin protein ligase; minus strand). Cytogenetic location: 6q26.
Variant type: single nucleotide variant.
Coding change: c.635G>A on transcript NM_004562.3 (MANE Select); coding-DNA position 635, G replaced by A.
Protein change: p.Cys212Tyr; replaces cysteine 212 with tyrosine.
Molecular consequence: missense variant.
Genome position (GRCh38, 1-based): chr6:161,973,401, C>T on the plus strand (G>A on the coding strand, the complement: PRKN is on the minus strand). VCF-style: chr6-161973401-C-T. GRCh37 (hg19) VCF-style: chr6-162394433-C-T.
Other names: c.551G>A, p.Cys184Tyr (NM_013987.3); c.188G>A, p.Cys63Tyr (NM_013988.3); short protein forms C212Y, C184Y, C63Y.
Identifiers: ClinVar variation 7046 (VCV000007046.9), dbSNP rs137853058, ClinGen allele CA254084.
Genomic context (GRCh38, chr6:161,973,401, plus strand): 5'-TTTGTTGCGATCAGGTGCAAAGCTACTGATGTTTCCTTGTCAGAGGTGGGGTGTGCTCCA[C>T]ATTTAAAGAAAAATTCCTGAAAGAAAGATAAATATGATCACACACATGGATCCCGGCTGC-3'
Protein context (NP_004553.2, residues 202-222): PGTSAEFFFK[Cys212Tyr]GAHPTSDKET